The following is an entry in ClinVar:

ClinVar aggregate classification (germline): Benign. Review status: criteria provided, single submitter (1 of 4 stars). 2 submissions from 2 submitters: Benign (1). 1 of the submissions does not count toward it. Last evaluated 2022-04-18.

Conditions:
EP300-related disorder. Also called: EP300-related condition; EP300-related disorders.
Rubinstein-Taybi syndrome due to EP300 haploinsufficiency. Also called: EP300-Related Rubinstein-Taybi Syndrome; RUBINSTEIN-TAYBI SYNDROME 2. Identifiers: Orphanet 353284, Orphanet 783, MedGen C3150941, MONDO:0013364, OMIM 613684.

Allele frequency attached by ClinVar (database versions not stated): gnomAD exomes below 0.00001; ExAC 0.00001; gnomAD 0.00003; TOPMed 0.00003.
gnomAD v4.1: 9 of 1,613,776 alleles (0.00056%); highest among the groups gnomAD compares: African/African-American, 0.008%; no homozygotes.

Submissions (2):

Labcorp Genetics (formerly Invitae), Labcorp
Classification: Benign for Rubinstein-Taybi syndrome due to EP300 haploinsufficiency. Last evaluated: 2022-04-18. Review status: criteria provided, single submitter. Criteria: Invitae Variant Classification Sherloc (09022015). Collection method: clinical testing. Allele origin: germline.

PreventionGenetics, part of Exact Sciences
Classification: Likely benign for EP300-related condition. Last evaluated: 2021-05-21. Review status: no assertion criteria provided. Collection method: clinical testing. Allele origin: germline. Not counted in ClinVar's aggregate classification.
Comment: This variant is classified as likely benign based on ACMG/AMP sequence variant interpretation guidelines (Richards et al. 2015 PMID: 25741868, with internal and published modifications).

NM_001429.4(EP300):c.2505A>G (p.Val835=)

Gene: EP300 (EP300 lysine acetyltransferase; plus strand). Cytogenetic location: 22q13.2.
Variant type: single nucleotide variant.
Coding change: c.2505A>G on transcript NM_001429.4 (MANE Select); coding-DNA position 2505, A replaced by G.
Protein change: p.Val835=; no amino-acid change (valine 835 retained).
Molecular consequence: synonymous variant.
Genome position (GRCh38, 1-based): chr22:41,149,886, A>G. VCF-style: chr22-41149886-A-G. GRCh37 (hg19) VCF-style: chr22-41545890-A-G.
Other names: c.2505A>G (NM_001429.3); c.2427A>G, p.Val809= (NM_001362843.2).
Identifiers: ClinVar variation 2179172 (VCV002179172.6), dbSNP rs749488807, ClinGen allele CA10252889.